The following is an entry in ClinVar:

ClinVar aggregate classification (germline): Uncertain significance (1 of 4 stars; one submission).

Allele frequency attached by ClinVar (database versions not stated): TOPMed below 0.00001; gnomAD 0.00001; gnomAD exomes 0.00001 and 0.00002; ExAC 0.00002.
gnomAD v4.1: 28 of 1,614,088 alleles (0.0017%); highest among the groups gnomAD compares: Non-Finnish European, 0.0023%; no homozygotes.

Submission:

Labcorp Genetics (formerly Invitae), Labcorp
Classification: Uncertain significance. Last evaluated: 2021-06-07. Review status: criteria provided, single submitter. Criteria: Invitae Variant Classification Sherloc (09022015). Collection method: clinical testing. Allele origin: germline.
Comment: In summary, the available evidence is currently insufficient to determine the role of this variant in disease. Therefore, it has been classified as a Variant of Uncertain Significance. Algorithms developed to predict the effect of missense changes on protein structure and function are either unavailable or do not agree on the potential impact of this missense change (SIFT: "Deleterious"; PolyPhen-2: "Possibly Damaging"; Align-GVGD: "Class C0"). This variant has not been reported in the literature in individuals with TRPM1-related conditions. This variant is present in population databases (rs757975388, ExAC 0.003%). This sequence change replaces glutamic acid with valine at codon 538 of the TRPM1 protein (p.Glu538Val). The glutamic acid residue is highly conserved and there is a moderate physicochemical difference between glutamic acid and valine.

NM_001252024.2(TRPM1):c.1679A>T (p.Glu560Val)

Gene: TRPM1 (transient receptor potential cation channel subfamily M member 1; minus strand). Cytogenetic location: 15q13.3.
Variant type: single nucleotide variant.
Coding change: c.1679A>T on transcript NM_001252024.2 (MANE Select); coding-DNA position 1679, A replaced by T.
Protein change: p.Glu560Val; replaces glutamic acid 560 with valine.
Molecular consequence: missense variant.
Genome position (GRCh38, 1-based): chr15:31,047,196, T>A on the plus strand (A>T on the coding strand, the complement: TRPM1 is on the minus strand). VCF-style: chr15-31047196-T-A. GRCh37 (hg19) VCF-style: chr15-31339399-T-A.
Other names: c.1730A>T, p.Glu577Val (NM_001252020.2); c.1613A>T, p.Glu538Val (NM_002420.6); short protein forms E538V, E560V, E577V.
Identifiers: ClinVar variation 1433593 (VCV001433593.8), dbSNP rs757975388, ClinGen allele CA7452468.